The following is an entry in ClinVar:

ClinVar aggregate classification (germline): Conflicting classifications of pathogenicity. Review status: criteria provided, conflicting classifications (1 of 4 stars). 4 submissions from 4 submitters: Pathogenic (2); Likely benign (1). 1 of the submissions does not count toward it. Last evaluated 2023-10-23.

Conditions:
Becker muscular dystrophy (BMD). Also called: MUSCULAR DYSTROPHY, PSEUDOHYPERTROPHIC PROGRESSIVE, BECKER TYPE; Becker Muscular Dystrophy (BMD). Identifiers: Orphanet 98895, MedGen C0917713, MONDO:0010311, OMIM 300376.
Duchenne muscular dystrophy (DMD). Also called: MUSCULAR DYSTROPHY, PSEUDOHYPERTROPHIC PROGRESSIVE, DUCHENNE TYPE; Duchenne Muscular Dystrophy (DMD). Identifiers: Orphanet 98896, MedGen C0013264, MONDO:0010679, OMIM 310200.

Submissions (4):

Laboratory of Medical Genetics, National & Kapodistrian University of Athens
Classification: Pathogenic for Duchenne muscular dystrophy. Last evaluated: 2023-10-23. Review status: criteria provided, single submitter. Criteria: ACMG Guidelines, 2015. Collection method: clinical testing. Allele origin: germline. Affected: yes.
Comment: PVS1, PM2, PP5 - The variant is expected to result in an absent or disrupted protein product. Low frequency in gnomAD population databases. This variant has been previously reported as causative for Dystrophinopathy phenotypes. (PMID:23536893).

Revvity Omics, Revvity
Classification: Pathogenic. Last evaluated: 2019-11-14. Review status: criteria provided, single submitter. Criteria: ACMG Guidelines, 2015. Collection method: clinical testing. Allele origin: germline.

Mendelics
Classification: Likely benign for Duchenne muscular dystrophy. Last evaluated: 2019-05-28. Review status: criteria provided, single submitter. Criteria: Mendelics Assertion Criteria 2017. Collection method: clinical testing. Allele origin: unknown.

OMIM
Classification: Pathogenic for BECKER MUSCULAR DYSTROPHY. Last evaluated: 1994-01-01. Review status: no assertion criteria provided. Collection method: literature only. Allele origin: germline. Not counted in ClinVar's aggregate classification.

Literature cited by the submitters: PubMed 7951253 (cited by OMIM).

NM_004006.3(DMD):c.94-1G>T

Gene: DMD (dystrophin; minus strand). Cytogenetic location: Xp21.1.
Variant type: single nucleotide variant.
Coding change: c.94-1G>T on transcript NM_004006.3 (MANE Select); the canonical splice acceptor site of the intron before coding-DNA position 94, G replaced by T.
Molecular consequence: splice acceptor variant.
Genome position (GRCh38, 1-based): chrX:32,849,821, C>A on the plus strand (G>T on the coding strand, the complement: DMD is on the minus strand). VCF-style: chrX-32849821-C-A. GRCh37 (hg19) VCF-style: chrX-32867938-C-A.
Other names: IVS2, G-T, -1; c.70-1G>T (NM_000109.4); c.82-1G>T (NM_004009.3); c.-276-1G>T (NM_004010.3).
Identifiers: ClinVar variation 11237 (VCV000011237.9), dbSNP rs863225016, ClinGen allele CA412675012.